The following is an entry in ClinVar:

NM_001792.5(CDH2):c.1964C>G (p.Thr655Ser)

Gene: CDH2 (cadherin 2; minus strand). Cytogenetic location: 18q12.1.
Variant type: single nucleotide variant.
Coding change: c.1964C>G on transcript NM_001792.5 (MANE Select); coding-DNA position 1964, C replaced by G.
Protein change: p.Thr655Ser; replaces threonine 655 with serine.
Molecular consequence: missense variant.
Genome position (GRCh38, 1-based): chr18:27,985,539, G>C on the plus strand (C>G on the coding strand, the complement: CDH2 is on the minus strand). VCF-style: chr18-27985539-G-C. GRCh37 (hg19) VCF-style: chr18-25565503-G-C.
Other names: c.1871C>G, p.Thr624Ser (NM_001308176.2); short protein forms T655S, T624S.
Identifiers: ClinVar variation 1783493 (VCV001783493.2), dbSNP rs946014808, ClinGen allele CA297680016.
Genomic context (GRCh38, chr18:27,985,539, plus strand): 5'-TCAAAATCTCTCAACTGCACATATATTCAAATAATTAACCTGTTCTTACCATTAAGCCGA[G>C]TGATGGTCCAATTTCTCTTAATAGTCACTGGAGATAAAGGAAGATCAAAAGCAAATGGTC-3'
Protein context (NP_001783.2, residues 645-665): PVTIKRNWTI[Thr655Ser]RLNGDFAQLN

ClinVar aggregate classification (germline): Uncertain significance (1 of 4 stars; one submission).

Conditions:
Inborn genetic diseases. Identifiers: MedGen C0950123, MeSH D030342.

gnomAD v4.1: 1 of 1,603,624 alleles (0.000062%); highest among the groups gnomAD compares: Non-Finnish European, 0.000085%; no homozygotes.

Submission:

Ambry Genetics
Classification: Uncertain significance for Inborn genetic diseases. Last evaluated: 2022-03-12. Review status: criteria provided, single submitter. Criteria: Ambry Variant Classification Scheme 2023. Collection method: clinical testing. Allele origin: germline.
Comment: The p.T655S variant (also known as c.1964C>G), located in coding exon 12 of the CDH2 gene, results from a C to G substitution at nucleotide position 1964. The threonine at codon 655 is replaced by serine, an amino acid with similar properties. This amino acid position is conserved. In addition, this alteration is predicted to be tolerated by in silico analysis. Since supporting evidence is limited at this time, the clinical significance of this alteration remains unclear.